The following is an entry in ClinVar:

ClinVar aggregate classification (germline): Likely pathogenic (1 of 4 stars; one submission).

Allele frequency attached by ClinVar (database versions not stated): gnomAD exomes below 0.00001; TOPMed below 0.00001.

Submission:

Labcorp Genetics (formerly Invitae), Labcorp
Classification: Likely pathogenic. Last evaluated: 2023-01-22. Review status: criteria provided, single submitter. Criteria: Invitae Variant Classification Sherloc (09022015). Collection method: clinical testing. Allele origin: germline.
Comment: In summary, the currently available evidence indicates that the variant is pathogenic, but additional data are needed to prove that conclusively. Therefore, this variant has been classified as Likely Pathogenic. Algorithms developed to predict the effect of sequence changes on RNA splicing suggest that this variant may disrupt the consensus splice site. This variant has not been reported in the literature in individuals affected with CD40-related conditions. This variant is not present in population databases (gnomAD no frequency). This sequence change affects a donor splice site in intron 7 of the CD40 gene. It is expected to disrupt RNA splicing. Variants that disrupt the donor or acceptor splice site typically lead to a loss of protein function (PMID: 16199547), and loss-of-function variants in CD40 are known to be pathogenic (PMID: 20702779, 24122029, 35729272).

Literature cited by the submitters: PubMed 16199547; PubMed 20702779; PubMed 24122029; PubMed 35729272.

NM_001250.6(CD40):c.646+1G>A

Gene: CD40 (CD40 molecule; plus strand). Cytogenetic location: 20q13.12.
Variant type: single nucleotide variant.
Coding change: c.646+1G>A on transcript NM_001250.6 (MANE Select); the canonical splice donor site of the intron after coding-DNA position 646, G replaced by A.
Molecular consequence: splice donor variant. On other transcripts: missense variant (2).
Genome position (GRCh38, 1-based): chr20:46,128,225, G>A. VCF-style: chr20-46128225-G-A. GRCh37 (hg19) VCF-style: chr20-44756864-G-A.
Other names: c.647G>A, p.Ser216Asn (NM_001322421.2); c.491G>A, p.Ser164Asn (NM_001424339.1); c.686+1G>A (NM_001302753.2); c.646+1G>A (NM_001362758.2); c.584+1G>A (NM_152854.4); c.490+1G>A (NM_001322422.2); short protein forms S164N, S216N.
Identifiers: ClinVar variation 2785002 (VCV002785002.3), dbSNP rs2085475059, ClinGen allele CA409209666.